The following is an entry in ClinVar:

NM_170707.4(LMNA):c.1488+8G>A

Gene: LMNA (lamin A/C; plus strand). Cytogenetic location: 1q22.
Variant type: single nucleotide variant.
Coding change: c.1488+8G>A on transcript NM_170707.4 (MANE Select); 8 bases into the intron after coding-DNA position 1488, G replaced by A.
Molecular consequence: intron variant.
Genome position (GRCh38, 1-based): chr1:156,137,036, G>A. VCF-style: chr1-156137036-G-A. GRCh37 (hg19) VCF-style: chr1-156106827-G-A.
Other names: c.1488+8G>A (NM_001282625.2, NM_001282626.2, NM_170708.4 and 1 more transcripts); c.1152+8G>A (NM_001257374.3); c.1245+8G>A (NM_001282624.2).
Identifiers: ClinVar variation 227503 (VCV000227503.23), dbSNP rs762836610, ClinGen allele CA050369.

ClinVar aggregate classification (germline): Conflicting classifications of pathogenicity. Review status: criteria provided, conflicting classifications (1 of 4 stars). 8 submissions from 8 submitters: Uncertain significance (1); Benign (1); Likely benign (6). Last evaluated 2026-01-27.

Conditions:
LMNA-related disorder. Also called: LMNA-related condition; LMNA-related disease; LMNA-related disorders. Identifiers: MedGen CN380145.
Cardiovascular phenotype. Identifiers: MedGen CN230736.
Charcot-Marie-Tooth disease. Also called: Charcot-Marie-Tooth Hereditary Neuropathy; Charcot-Marie-Tooth Neuropathy. Identifiers: Orphanet 166, MedGen C0007959, MONDO:0015626.
Charcot-Marie-Tooth disease type 2. Also called: Charcot-Marie-Tooth type 2. Identifiers: Orphanet 64746, MedGen C0270914, MONDO:0018993.

Allele frequency attached by ClinVar (database versions not stated): gnomAD 0.00001 and 0.00005; TOPMed 0.00003; gnomAD exomes 0.00018; ExAC 0.00021.

Submissions (8):

PreventionGenetics, part of Exact Sciences
Classification: Likely benign for LMNA-related condition. Last evaluated: 2026-01-27. Review status: criteria provided, single submitter. Criteria: ACMG Guidelines, 2015. Collection method: clinical testing. Allele origin: germline.
Comment: This variant is classified as likely benign based on ACMG/AMP sequence variant interpretation guidelines (Richards et al. 2015 PMID: 25741868, with internal and published modifications).

Labcorp Genetics (formerly Invitae), Labcorp
Classification: Benign for Charcot-Marie-Tooth disease type 2. Last evaluated: 2026-01-26. Review status: criteria provided, single submitter. Criteria: Invitae Variant Classification Sherloc (09022015). Collection method: clinical testing. Allele origin: germline.

Blueprint Genetics
Classification: Likely benign. Last evaluated: 2024-02-22. Review status: criteria provided, single submitter. Criteria: ACMG Guidelines, 2015. Collection method: clinical testing. Allele origin: germline.

Ambry Genetics
Classification: Likely benign for Cardiovascular phenotype. Last evaluated: 2022-05-05. Review status: criteria provided, single submitter. Criteria: Ambry Variant Classification Scheme 2023. Collection method: clinical testing. Allele origin: germline.

GeneDx
Classification: Likely benign. Last evaluated: 2016-03-03. Review status: criteria provided, single submitter. Criteria: GeneDx Variant Classification (06012015). Collection method: clinical testing. Allele origin: germline. Affected: yes.
Comment: This variant is considered likely benign or benign based on one or more of the following criteria: it is a conservative change, it occurs at a poorly conserved position in the protein, it is predicted to be benign by multiple in silico algorithms, and/or has population frequency not consistent with disease.

Eurofins Ntd Llc (ga)
Classification: Uncertain significance. Last evaluated: 2016-02-11. Review status: criteria provided, single submitter. Criteria: EGL Classification Definitions 2015. Collection method: clinical testing. Allele origin: germline. Observed: 3 variant alleles, 3 heterozygotes.

Laboratory for Molecular Medicine, Mass General Brigham Personalized Medicine
Classification: Likely benign. Last evaluated: 2015-01-29. Review status: criteria provided, single submitter. Criteria: LMM Criteria. Collection method: clinical testing. Allele origin: germline. Observed: 1 variant allele.
Comment: c.1488+8G>A in intron 8 of LMNA: This variant is not expected to have clinical s ignificance because it is not located within the conserved splice consensus sequ ence. It has been identified in 0.1% (22/16602) South Asian chromosomes by the E xome Aggregation Consortium (ExAC).

Molecular Genetics Laboratory, London Health Sciences Centre
Classification: Likely benign for Charcot-Marie-Tooth disease. Review status: criteria provided, single submitter. Criteria: ACMG Guidelines, 2015. Collection method: clinical testing. Allele origin: germline. Affected: yes.